The following is an entry in ClinVar:

ClinVar aggregate classification (germline): Uncertain significance. Review status: criteria provided, multiple submitters, no conflicts (2 of 4 stars). 2 submissions from 2 submitters: Uncertain significance (2). Last evaluated 2025-02-07.

Conditions:
Werner syndrome (WRN). Identifiers: Orphanet 902, MedGen C0043119, MONDO:0010196, OMIM 277700.
Inborn genetic diseases. Identifiers: MedGen C0950123, MeSH D030342.

gnomAD v4.1: 7 of 1,614,044 alleles (0.00043%); highest among the groups gnomAD compares: Non-Finnish European, 0.00051%; no homozygotes.

Submissions (2):

Ambry Genetics
Classification: Uncertain significance for Inborn genetic diseases. Last evaluated: 2025-02-07. Review status: criteria provided, single submitter. Criteria: Ambry Variant Classification Scheme 2023. Collection method: clinical testing. Allele origin: germline.

Labcorp Genetics (formerly Invitae), Labcorp
Classification: Uncertain significance for Werner syndrome. Last evaluated: 2022-10-07. Review status: criteria provided, single submitter. Criteria: Invitae Variant Classification Sherloc (09022015). Collection method: clinical testing. Allele origin: germline.
Comment: This sequence change replaces arginine, which is basic and polar, with proline, which is neutral and non-polar, at codon 1321 of the WRN protein (p.Arg1321Pro). This variant is present in population databases (rs766042685, gnomAD 0.002%). This variant has not been reported in the literature in individuals affected with WRN-related conditions. Algorithms developed to predict the effect of missense changes on protein structure and function are either unavailable or do not agree on the potential impact of this missense change (SIFT: "Not Available"; PolyPhen-2: "Possibly Damaging"; Align-GVGD: "Not Available"). In summary, the available evidence is currently insufficient to determine the role of this variant in disease. Therefore, it has been classified as a Variant of Uncertain Significance.

NM_000553.6(WRN):c.3962G>C (p.Arg1321Pro)

Gene: WRN (WRN RecQ like helicase; plus strand). Cytogenetic location: 8p12.
Variant type: single nucleotide variant.
Coding change: c.3962G>C on transcript NM_000553.6 (MANE Select); coding-DNA position 3962, G replaced by C.
Protein change: p.Arg1321Pro; replaces arginine 1321 with proline.
Molecular consequence: missense variant.
Genome position (GRCh38, 1-based): chr8:31,157,510, G>C. VCF-style: chr8-31157510-G-C. GRCh37 (hg19) VCF-style: chr8-31015026-G-C.
Other names: short protein forms R1321P.
Identifiers: ClinVar variation 1930799 (VCV001930799.3), dbSNP rs766042685, ClinGen allele CA4705214.